The following is an entry in ClinVar:

ClinVar aggregate classification (germline): Uncertain significance (1 of 4 stars; one submission).

Conditions:
Telangiectasia, hereditary hemorrhagic, type 5 (HHT5). Identifiers: Orphanet 774, MedGen C3809710, MONDO:0014217, OMIM 615506.

Submission:

Labcorp Genetics (formerly Invitae), Labcorp
Classification: Uncertain significance for Telangiectasia, hereditary hemorrhagic, type 5. Last evaluated: 2023-02-23. Review status: criteria provided, single submitter. Criteria: Invitae Variant Classification Sherloc (09022015). Collection method: clinical testing. Allele origin: germline.
Comment: An algorithm developed to predict the effect of missense changes on protein structure and function (PolyPhen-2) suggests that this variant is likely to be tolerated. In summary, the available evidence is currently insufficient to determine the role of this variant in disease. Therefore, it has been classified as a Variant of Uncertain Significance. This sequence change replaces serine, which is neutral and polar, with phenylalanine, which is neutral and non-polar, at codon 155 of the GDF2 protein (p.Ser155Phe). This variant is not present in population databases (gnomAD no frequency). This missense change has been observed in individual(s) with hereditary hemorrhagic telangiectasia (Invitae).

NM_016204.4(GDF2):c.464C>T (p.Ser155Phe)

Gene: GDF2 (growth differentiation factor 2; plus strand). Cytogenetic location: 10q11.22.
Variant type: single nucleotide variant.
Coding change: c.464C>T on transcript NM_016204.4 (MANE Select); coding-DNA position 464, C replaced by T.
Protein change: p.Ser155Phe; replaces serine 155 with phenylalanine.
Molecular consequence: missense variant.
Genome position (GRCh38, 1-based): chr10:47,324,958, C>T. VCF-style: chr10-47324958-C-T. GRCh37 (hg19) VCF-style: chr10-48414404-G-A.
Other names: short protein forms S155F.
Identifiers: ClinVar variation 2721469 (VCV002721469.3), dbSNP rs868912255, ClinGen allele CA206440049.